The following is an entry in ClinVar:

NM_000059.4(BRCA2):c.956dup (p.Asn319fs)

Gene: BRCA2 (BRCA2 DNA repair associated; plus strand). Cytogenetic location: 13q13.1.
Variant type: Duplication.
Coding change: c.956dup on transcript NM_000059.4 (MANE Select); coding-DNA position 956, one base duplicated (A; older notation c.956dupA).
Protein change: p.Asn319fs; shifts the reading frame from asparagine 319.
Genome position (GRCh38, 1-based): chr13:32,332,434, A duplicated; the last of 6 consecutive A bases (chr13:32,332,429-32,332,434); duplicating any one gives the same sequence. VCF-style (leftmost placement, unchanged base first): chr13-32332428-C-CA. GRCh37 (hg19) VCF-style: chr13-32906565-C-CA.
Other names: p.Asn319LysfsX8; 1184insA; c.956dupA (NM_000059.3); short protein forms N319fs.
Identifiers: ClinVar variation 52870 (VCV000052870.40), dbSNP rs80359770, ClinGen allele CA026213.

ClinVar aggregate classification (germline): Pathogenic. Review status: reviewed by expert panel (3 of 4 stars). 19 submissions from 19 submitters: Pathogenic (1). 18 of the submissions do not count toward it. Last evaluated 2016-09-08.

Conditions:
Hereditary breast ovarian cancer syndrome. Also called: Breast and ovarian cancer; Hereditary breast and ovarian cancer; Hereditary breast and ovarian cancer syndrome (HBOC); Hereditary breast and ovarian cancer syndrome; BRCA1- and BRCA2-Associated Hereditary Breast and Ovarian Cancer; Hereditary breast and/or ovarian cancer syndrome. Identifiers: Orphanet 145, MedGen C0677776, MeSH D061325, MONDO:0003582. Disease mechanism: loss of function.
Fanconi anemia complementation group D1. Also called: BRCA2-Related Fanconi Anemia. Identifiers: Orphanet 319462, MedGen C1838457, MONDO:0011584, OMIM 605724.
Inherited breast cancer and ovarian cancer.
BRCA2-related cancer predisposition. Identifiers: MedGen CN377758, MONDO:0700269.
Pancreatic cancer, susceptibility to, 2. Identifiers: Orphanet 1333, MedGen C3150546, MONDO:0013235, OMIM 613347.
Glioma susceptibility 3 (GLM3). Also called: Glioblastoma 3. Identifiers: Orphanet 182067, Orphanet 360, MedGen C2751641, MONDO:0013093, OMIM 613029.
Familial prostate cancer. Also called: Hereditary Prostate Cancer. Identifiers: MedGen C2931456, MONDO:0700275, OMIM 176807.
Breast-ovarian cancer, familial, susceptibility to, 2 (BROVCA2). Also called: BRCA2 Hereditary Breast and Ovarian Cancer. Identifiers: Orphanet 145, MedGen C2675520, MONDO:0012933, OMIM 612555. Disease mechanism: loss of function.
Medulloblastoma (MDB). Also called: Medulloblastoma, somatic; MEDULLOBLASTOMA PREDISPOSITION SYNDROME. Identifiers: Orphanet 616, MedGen C0025149, MeSH D008527, MONDO:0007959, OMIM 155255, HP:0002885.
Wilms tumor 1 (WT1). Also called: Wilms tumor, somatic. Identifiers: Orphanet 654, MedGen CN033288, MONDO:0008679, OMIM 194070.
Familial cancer of breast. Also called: BREAST CANCER, FAMILIAL; hereditary breast carcinoma; Hereditary breast cancer. Identifiers: Orphanet 227535, MedGen C0346153, MONDO:0016419, OMIM 114480. Disease mechanism: loss of function.
Hereditary cancer-predisposing syndrome. Also called: Neoplastic Syndromes, Hereditary; Tumor predisposition; Hereditary Cancer Syndrome; Hereditary neoplastic syndrome. Identifiers: Orphanet 140162, MedGen C0027672, MeSH D009386, MONDO:0015356.

Submissions 1 to 9 of 19:

Evidence-based Network for the Interpretation of Germline Mutant Alleles (ENIGMA)
Classification: Pathogenic for Breast-ovarian cancer, familial, susceptibility to, 2. Last evaluated: 2016-09-08. Review status: reviewed by expert panel. Criteria: ENIGMA BRCA1/2 Classification Criteria (2015). Collection method: curation. Allele origin: germline.
Comment: Variant allele predicted to encode a truncated non-functional protein.

Labcorp Genetics (formerly Invitae), Labcorp
Classification: Pathogenic for Hereditary breast ovarian cancer syndrome. Last evaluated: 2025-11-09. Review status: criteria provided, single submitter. Criteria: Invitae Variant Classification Sherloc (09022015). Collection method: clinical testing. Allele origin: germline. Not counted in ClinVar's aggregate classification.
Comment: This sequence change creates a premature translational stop signal (p.Asn319Lysfs*8) in the BRCA2 gene. It is expected to result in an absent or disrupted protein product. Loss-of-function variants in BRCA2 are known to be pathogenic (PMID: 20104584). This variant is present in population databases (rs756186207, gnomAD 0.006%). This premature translational stop signal has been observed in individual(s) with breast cancer (PMID: 12920083, 28724667). This variant is also known as c.951dupA and c.1179insA. ClinVar contains an entry for this variant (Variation ID: 52870). For these reasons, this variant has been classified as Pathogenic.

Genomics and Molecular Medicine Service, East Genomic Laboratory Hub, NHS Genomic Medicine Service
Classification: Pathogenic for Inherited breast cancer and ovarian cancer. Last evaluated: 2024-09-25. Review status: criteria provided, single submitter. Criteria: ACGS Best Practice Guidelines for Variant Classification in Rare Disease 2020. Collection method: clinical testing. Allele origin: germline. Affected: yes. Not counted in ClinVar's aggregate classification.
Comment: PVS1,PM2_Supporting,PM5_Strong

GeneDx
Classification: Pathogenic. Last evaluated: 2024-09-03. Review status: criteria provided, single submitter. Criteria: GeneDx Variant Classification Process June 2021. Collection method: clinical testing. Allele origin: germline. Affected: yes. Not counted in ClinVar's aggregate classification.
Comment: Frameshift variant predicted to result in protein truncation or nonsense mediated decay in a gene for which loss of function is a known mechanism of disease; Not observed at significant frequency in large population cohorts (gnomAD); Truncating variants in this gene are considered pathogenic by a well-established clinical consortium and/or database; Also known as 1184dup; This variant is associated with the following publications: (PMID: 26187060, 18627636, 28263838, 36367610, 35864222, 29922827, 28888541, 12920083, 29907814, 28724667, 28993434, 15131399, 30720243, 30702160, 30322717, 31447099, 31825140, 32719484, 30787465, 31742824, 31589614, 31723001, 29446198, 30555256, 33461583, 20104584)

Ambry Genetics
Classification: Pathogenic for Hereditary cancer-predisposing syndrome. Last evaluated: 2024-06-05. Review status: criteria provided, single submitter. Criteria: Ambry Variant Classification Scheme 2023. Collection method: clinical testing. Allele origin: germline. Not counted in ClinVar's aggregate classification.
Comment: The c.956dupA pathogenic mutation, located in coding exon 9 of the BRCA2 gene, results from a duplication of A at nucleotide position 956, causing a translational frameshift with a predicted alternate stop codon (p.N319Kfs*8). Of note, this alteration is also designated as c.951dupA, 1184insA and 1179insA in published literature. In addition to the clinical data presented in the literature, this alteration is expected to result in loss of function by premature protein truncation or nonsense-mediated mRNA decay. As such, this alteration is interpreted as a disease-causing mutation.

All of Us Research Program, National Institutes of Health
Classification: Pathogenic for BRCA2-related cancer predisposition. Last evaluated: 2024-05-14. Review status: criteria provided, single submitter. Criteria: ACMG Guidelines, 2015. Collection method: clinical testing. Allele origin: germline. Inheritance: Autosomal dominant inheritance. Observed: 1 variant allele, 1 heterozygote. Not counted in ClinVar's aggregate classification.
Comment: This variant inserts 1 nucleotide in exon 10 of the BRCA2 gene, creating a frameshift and premature translation stop signal. This variant is expected to result in an absent or non-functional protein product. To our knowledge, functional studies have not been reported for this variant. This variant has been reported in at least five unrelated individuals affected with breast or ovarian cancer (PMID: 18627636, 28724667, 30555256, 33471991; Leiden Open Variation Database DB-ID BRCA2_004164; Color internal data). This variant has been identified in 2/230430 chromosomes in the general population by the Genome Aggregation Database (gnomAD). Loss of BRCA2 function is a known mechanism of disease. Based on the available evidence, this variant is classified as Pathogenic.

This study involves interpretation of variants in research participants for the purpose of population health screening. Participant phenotype was not available at the time of variant classification. Additional details can be found in publication PMID: 35346344, PMCID: PMC8962531

Baylor Genetics
Classification: Pathogenic for Familial cancer of breast. Last evaluated: 2024-03-26. Review status: criteria provided, single submitter. Criteria: ACMG Guidelines, 2015. Collection method: clinical testing. Allele origin: unknown. Not counted in ClinVar's aggregate classification.

Color Diagnostics, LLC DBA Color Health
Classification: Pathogenic for Hereditary cancer-predisposing syndrome. Last evaluated: 2024-03-20. Review status: criteria provided, single submitter. Criteria: ACMG Guidelines, 2015. Collection method: clinical testing. Allele origin: germline. Not counted in ClinVar's aggregate classification.
Comment: This variant inserts 1 nucleotide in exon 10 of the BRCA2 gene, creating a frameshift and premature translation stop signal. This variant is expected to result in an absent or non-functional protein product. This variant has been reported in at least five unrelated individuals affected with breast or ovarian cancer (PMID: 18627636, 28724667, 30555256, 33471991; Leiden Open Variation Database DB-ID BRCA2_004164, 34680387; Color internal data). This variant has been identified in 2/230430 chromosomes in the general population by the Genome Aggregation Database (gnomAD). Loss of BRCA2 function is a known mechanism of disease. Based on the available evidence, this variant is classified as Pathogenic.

Department of Pathology and Laboratory Medicine, Sinai Health System
Classification: Pathogenic for Familial cancer of breast; Medulloblastoma; Familial prostate cancer; Wilms tumor 1; Fanconi anemia complementation group D1; Breast-ovarian cancer, familial, susceptibility to, 2; Glioma susceptibility 3; Pancreatic cancer, susceptibility to, 2. Last evaluated: 2023-06-13. Review status: criteria provided, single submitter. Criteria: ACMG Guidelines, 2015. Collection method: clinical testing. Allele origin: germline. Not counted in ClinVar's aggregate classification.